The following is an entry in ClinVar:

ClinVar aggregate classification (germline): Uncertain significance. Review status: criteria provided, multiple submitters, no conflicts (2 of 4 stars). 2 submissions from 2 submitters: Uncertain significance (2). Last evaluated 2025-04-11.

Conditions:
Inborn genetic diseases. Identifiers: MedGen C0950123, MeSH D030342.
DOCK2 deficiency. Also called: Immunodeficiency 40. Identifiers: Orphanet 447737, MedGen C4225328, MONDO:0014637, OMIM 616433.

Allele frequency attached by ClinVar (database versions not stated): gnomAD exomes 0.00001 and 0.00003; gnomAD 0.00001; TOPMed 0.00002; ExAC 0.00003; 1000 Genomes Project 30x 0.00016; 1000 Genomes Project 0.00020.
gnomAD v4.1: 12 of 1,614,092 alleles (0.00074%); highest among the groups gnomAD compares: Admixed American, 0.0083%; no homozygotes.

Submissions (2):

Ambry Genetics
Classification: Uncertain significance for Inborn genetic diseases. Last evaluated: 2025-04-11. Review status: criteria provided, single submitter. Criteria: Ambry Variant Classification Scheme 2023. Collection method: clinical testing. Allele origin: germline.

Labcorp Genetics (formerly Invitae), Labcorp
Classification: Uncertain significance for DOCK2 deficiency. Last evaluated: 2021-08-23. Review status: criteria provided, single submitter. Criteria: Invitae Variant Classification Sherloc (09022015). Collection method: clinical testing. Allele origin: germline.
Comment: In summary, the available evidence is currently insufficient to determine the role of this variant in disease. Therefore, it has been classified as a Variant of Uncertain Significance. Algorithms developed to predict the effect of missense changes on protein structure and function (SIFT, PolyPhen-2, Align-GVGD) all suggest that this variant is likely to be tolerated. This variant has not been reported in the literature in individuals affected with DOCK2-related conditions. This variant is present in population databases (rs201979117, ExAC 0.03%). This sequence change replaces isoleucine with valine at codon 80 of the DOCK2 protein (p.Ile80Val). The isoleucine residue is weakly conserved and there is a small physicochemical difference between isoleucine and valine.

NM_004946.3(DOCK2):c.238A>G (p.Ile80Val)

Gene: DOCK2 (dedicator of cytokinesis 2; plus strand). Cytogenetic location: 5q35.1.
Variant type: single nucleotide variant.
Coding change: c.238A>G on transcript NM_004946.3 (MANE Select); coding-DNA position 238, A replaced by G.
Protein change: p.Ile80Val; replaces isoleucine 80 with valine.
Molecular consequence: missense variant. On other transcripts: non-coding transcript variant (1).
Genome position (GRCh38, 1-based): chr5:169,671,091, A>G. VCF-style: chr5-169671091-A-G. GRCh37 (hg19) VCF-style: chr5-169098095-A-G.
Other names: c.238A>G (NM_004946.2); short protein forms I80V.
Identifiers: ClinVar variation 1478044 (VCV001478044.6), dbSNP rs201979117, ClinGen allele CA3553120.